The following is an entry in ClinVar:

NM_006420.3(ARFGEF2):c.4059dup (p.Val1354fs)

Gene: ARFGEF2 (ARF guanine nucleotide exchange factor 2; plus strand). Cytogenetic location: 20q13.13.
Variant type: Duplication.
Coding change: c.4059dup on transcript NM_006420.3 (MANE Select); coding-DNA position 4059, one base duplicated (A; older notation c.4059dupA).
Protein change: p.Val1354fs; shifts the reading frame from valine 1354.
Molecular consequence: frameshift variant.
Genome position (GRCh38, 1-based): chr20:49,013,840, A duplicated. VCF-style (leftmost placement, unchanged base first): chr20-49013839-C-CA. GRCh37 (hg19) VCF-style: chr20-47630376-C-CA.
Other names: short protein forms V1354fs.
Identifiers: ClinVar variation 817984 (VCV000817984.1), dbSNP rs1600546214, ClinGen allele CA915953140.

ClinVar aggregate classification (germline): Likely pathogenic (1 of 4 stars; one submission).

Submission:

GeneDx
Classification: Likely pathogenic. Last evaluated: 2019-01-25. Review status: criteria provided, single submitter. Criteria: GeneDx Variant Classification (06012015). Collection method: clinical testing. Allele origin: germline. Affected: yes.
Comment: A variant that is likely pathogenic has been identified in the ARFGEF2 gene. The c.4059dupA variant has not been published as a pathogenic variant, nor has it been reported as a benign variant to our knowledge. The c.4059dupA variant in the ARFGEF2 gene causes a frameshift starting with codon Valine 1354, changes this amino acid to a Serine residue and creates a premature Stop codon at position 4 of the new reading frame, denoted p.Val1354SerfsX4. This frameshift variant is predicted to cause loss of normal protein function either through protein truncation or nonsense-mediated mRNA decay. The c.4059dupA variant is not observed in large population cohorts (Lek et al., 2016). Therefore, this variant is likely pathogenic; however, the possibility that it is benign cannot be excluded.